The following is an entry in ClinVar:

NM_005120.3(MED12):c.6279A>G (p.Gln2093=)

Gene: MED12 (mediator complex subunit 12; plus strand). Cytogenetic location: Xq13.1.
Variant type: single nucleotide variant.
Coding change: c.6279A>G on transcript NM_005120.3 (MANE Select); coding-DNA position 6279, A replaced by G.
Protein change: p.Gln2093=; no amino-acid change (glutamine 2093 retained).
Molecular consequence: synonymous variant.
Genome position (GRCh38, 1-based): chrX:71,141,241, A>G. VCF-style: chrX-71141241-A-G. GRCh37 (hg19) VCF-style: chrX-70361091-A-G.
Identifiers: ClinVar variation 510411 (VCV000510411.8), dbSNP rs1050062166, ClinGen allele CA330985243.

ClinVar aggregate classification (germline): Likely benign. Review status: criteria provided, multiple submitters, no conflicts (2 of 4 stars). 4 submissions from 4 submitters: Likely benign (4). Last evaluated 2026-01-01.

Conditions:
FG syndrome (FGS). Identifiers: MedGen C0220769, MONDO:0002010.
Familial thoracic aortic aneurysm and aortic dissection (TAAD). Also called: Thoracic aortic aneurysms and dissections. Identifiers: Orphanet 91387, MedGen C4707243, MONDO:0019625.

Allele frequency attached by ClinVar (database versions not stated): gnomAD exomes below 0.00001; gnomAD 0.00001.
gnomAD v4.1: 5 of 1,161,297 alleles (0.00043%); highest among the groups gnomAD compares: South Asian, 0.0019%; no homozygotes.

Submissions (4):

CeGaT Center for Human Genetics Tuebingen
Classification: Likely benign. Last evaluated: 2026-01-01. Review status: criteria provided, single submitter. Criteria: CeGaT Center For Human Genetics Tuebingen Variant Classification Criteria Version 2. Collection method: clinical testing. Allele origin: germline. Affected: yes. Observed: 1 variant allele.
Comment: MED12: BP4, BP7

Labcorp Genetics (formerly Invitae), Labcorp
Classification: Likely benign for FG syndrome. Last evaluated: 2025-08-06. Review status: criteria provided, single submitter. Criteria: Invitae Variant Classification Sherloc (09022015). Collection method: clinical testing. Allele origin: germline.

Ambry Genetics
Classification: Likely benign for Familial thoracic aortic aneurysm and aortic dissection. Last evaluated: 2023-05-04. Review status: criteria provided, single submitter. Criteria: Ambry Variant Classification Scheme 2023. Collection method: clinical testing. Allele origin: germline.

GeneDx
Classification: Likely benign. Last evaluated: 2018-01-05. Review status: criteria provided, single submitter. Criteria: GeneDx Variant Classification (06012015). Collection method: clinical testing. Allele origin: germline. Affected: yes.
Comment: This variant is considered likely benign or benign based on one or more of the following criteria: it is a conservative change, it occurs at a poorly conserved position in the protein, it is predicted to be benign by multiple in silico algorithms, and/or has population frequency not consistent with disease.